The following is an entry in ClinVar:

NM_000038.6(APC):c.5189C>G (p.Ser1730Cys)

Gene: APC (APC regulator of Wnt signaling pathway; plus strand). Cytogenetic location: 5q22.2.
Variant type: single nucleotide variant.
Coding change: c.5189C>G on transcript NM_000038.6 (MANE Select); coding-DNA position 5189, C replaced by G.
Protein change: p.Ser1730Cys; replaces serine 1730 with cysteine.
Molecular consequence: missense variant.
Genome position (GRCh38, 1-based): chr5:112,840,783, C>G. VCF-style: chr5-112840783-C-G. GRCh37 (hg19) VCF-style: chr5-112176480-C-G.
Other names: c.5189C>G, p.Ser1730Cys (NM_001127510.3, NM_001354895.2); c.5135C>G, p.Ser1712Cys (NM_001127511.3); c.5243C>G, p.Ser1748Cys (NM_001354896.2); c.5219C>G, p.Ser1740Cys (NM_001354897.2); c.5114C>G, p.Ser1705Cys (NM_001354898.2); c.5105C>G, p.Ser1702Cys (NM_001354899.2); c.5066C>G, p.Ser1689Cys (NM_001354900.2); c.5012C>G, p.Ser1671Cys (NM_001354901.2); and 5 more; short protein forms S1629C, S1671C, S1705C, S1570C, S1639C, S1702C, S1740C, S1748C.
Identifiers: ClinVar variation 825520 (VCV000825520.10), dbSNP rs864622256, ClinGen allele CA16032675.

ClinVar aggregate classification (germline): Uncertain significance. Review status: criteria provided, multiple submitters, no conflicts (2 of 4 stars). 3 submissions from 3 submitters: Uncertain significance (3). Last evaluated 2024-06-08.

Conditions:
Hereditary cancer-predisposing syndrome. Also called: Neoplastic Syndromes, Hereditary; Tumor predisposition; Hereditary neoplastic syndrome; Hereditary Cancer Syndrome. Identifiers: Orphanet 140162, MedGen C0027672, MeSH D009386, MONDO:0015356.
Familial adenomatous polyposis 1 (FAP1). Also called: POLYPOSIS, ADENOMATOUS INTESTINAL; FAMILIAL ADENOMATOUS POLYPOSIS 1, ATTENUATED. Identifiers: MedGen C2713442, MONDO:0021056, OMIM 175100. Disease mechanism: loss of function.

Submissions (3):

Ambry Genetics
Classification: Uncertain significance for Hereditary cancer-predisposing syndrome. Last evaluated: 2024-06-08. Review status: criteria provided, single submitter. Criteria: Ambry Variant Classification Scheme 2023. Collection method: clinical testing. Allele origin: germline.
Comment: The p.S1730C variant (also known as c.5189C>G), located in coding exon 15 of the APC gene, results from a C to G substitution at nucleotide position 5189. The serine at codon 1730 is replaced by cysteine, an amino acid with dissimilar properties. This amino acid position is well conserved in available vertebrate species. In addition, in silico predictors for this gene do not accurately predict pathogenicity. Since supporting evidence is limited at this time, the clinical significance of this alteration remains unclear.

Labcorp Genetics (formerly Invitae), Labcorp
Classification: Uncertain significance for Familial adenomatous polyposis 1. Last evaluated: 2023-03-27. Review status: criteria provided, single submitter. Criteria: Invitae Variant Classification Sherloc (09022015). Collection method: clinical testing. Allele origin: germline.
Comment: This sequence change replaces serine, which is neutral and polar, with cysteine, which is neutral and slightly polar, at codon 1730 of the APC protein (p.Ser1730Cys). This variant is not present in population databases (gnomAD no frequency). This variant has not been reported in the literature in individuals affected with APC-related conditions. ClinVar contains an entry for this variant (Variation ID: 825520). Advanced modeling of protein sequence and biophysical properties (such as structural, functional, and spatial information, amino acid conservation, physicochemical variation, residue mobility, and thermodynamic stability) performed at Invitae indicates that this missense variant is not expected to disrupt APC protein function. In summary, the available evidence is currently insufficient to determine the role of this variant in disease. Therefore, it has been classified as a Variant of Uncertain Significance.

Color Diagnostics, LLC DBA Color Health
Classification: Uncertain significance for Hereditary cancer-predisposing syndrome. Last evaluated: 2019-12-06. Review status: criteria provided, single submitter. Criteria: ACMG Guidelines, 2015. Collection method: clinical testing. Allele origin: germline.
Comment: This missense variant replaces serine with cysteine at codon 1730 of the APC protein. Computational prediction is inconclusive regarding the impact of this variant on protein structure and function (internally defined REVEL score threshold 0.5 < inconclusive < 0.7, PMID: 27666373). Splice site prediction tools suggest that this variant may not impact RNA splicing. To our knowledge, functional studies have not been performed for this variant. This variant has not been reported in individuals affected with hereditary cancer in the literature. This variant has not been identified in the general population by the Genome Aggregation Database (gnomAD). The available evidence is insufficient to determine the role of this variant in disease conclusively. Therefore, this variant is classified as a Variant of Uncertain Significance.